The following is an entry in ClinVar:

ClinVar aggregate classification (germline): Uncertain significance. Review status: criteria provided, multiple submitters, no conflicts (2 of 4 stars). 3 submissions from 3 submitters: Uncertain significance (2). 1 of the submissions does not count toward it. Last evaluated 2024-04-13.

Conditions:
Imerslund-Grasbeck syndrome type 1 (IGS1). Also called: Imerslund-Gräsbeck syndrome 1; Megaloblastic anemia 1, Finnish type; MEGALOBLASTIC ANEMIA, 1. Identifiers: MedGen C4016819, MONDO:0100156, OMIM 261100.
Proteinuria, chronic benign. Identifiers: MedGen C5394384, MONDO:0030042, OMIM 618884.
CUBN-related disorder. Also called: CUBN-related condition.
Imerslund-Grasbeck syndrome. Also called: ENTEROCYTE COBALAMIN MALABSORPTION; ENTEROCYTE INTRINSIC FACTOR RECEPTOR, DEFECT OF; PERNICIOUS ANEMIA, JUVENILE, DUE TO SELECTIVE INTESTINAL MALABSORPTION OF VITAMIN B12, WITH PROTEINURIA; Imerslund-Gräsbeck syndrome; Megaloblastic anemia due to inborn errors of metabolism. Identifiers: Orphanet 35858, MedGen C4551825, MONDO:0009853.

Allele frequency attached by ClinVar (database versions not stated): TOPMed 0.00049; ESP Exome Variant Server 0.00069; 1000 Genomes Project 30x 0.00109; gnomAD exomes 0.00006; 1000 Genomes Project 0.00080; ExAC 0.00017; gnomAD 0.00047.

Submissions (3):

Fulgent Genetics
Classification: Uncertain significance for Imerslund-Grasbeck syndrome type 1; Proteinuria, chronic benign. Last evaluated: 2024-04-13. Review status: criteria provided, single submitter. Criteria: ACMG Guidelines, 2015. Collection method: clinical testing. Allele origin: germline.

Labcorp Genetics (formerly Invitae), Labcorp
Classification: Uncertain significance for Imerslund-Grasbeck syndrome. Last evaluated: 2022-07-29. Review status: criteria provided, single submitter. Criteria: Invitae Variant Classification Sherloc (09022015). Collection method: clinical testing. Allele origin: germline.
Comment: In summary, the available evidence is currently insufficient to determine the role of this variant in disease. Therefore, it has been classified as a Variant of Uncertain Significance. Algorithms developed to predict the effect of missense changes on protein structure and function are either unavailable or do not agree on the potential impact of this missense change (SIFT: "Tolerated"; PolyPhen-2: "Probably Damaging"; Align-GVGD: "Class C0"). This variant has not been reported in the literature in individuals affected with CUBN-related conditions. This variant is present in population databases (rs149358798, gnomAD 0.2%). This sequence change replaces arginine, which is basic and polar, with glutamine, which is neutral and polar, at codon 43 of the CUBN protein (p.Arg43Gln).

PreventionGenetics, part of Exact Sciences
Classification: Likely benign for CUBN-related condition. Last evaluated: 2022-02-07. Review status: no assertion criteria provided. Collection method: clinical testing. Allele origin: germline. Not counted in ClinVar's aggregate classification.
Comment: This variant is classified as likely benign based on ACMG/AMP sequence variant interpretation guidelines (Richards et al. 2015 PMID: 25741868, with internal and published modifications).

NM_001081.4(CUBN):c.128G>A (p.Arg43Gln)

Gene: CUBN (cubilin; minus strand). Cytogenetic location: 10p13.
Variant type: single nucleotide variant.
Coding change: c.128G>A on transcript NM_001081.4 (MANE Select); coding-DNA position 128, G replaced by A.
Protein change: p.Arg43Gln; replaces arginine 43 with glutamine.
Molecular consequence: missense variant.
Genome position (GRCh38, 1-based): chr10:17,129,245, C>T on the plus strand (G>A on the coding strand, the complement: CUBN is on the minus strand). VCF-style: chr10-17129245-C-T. GRCh37 (hg19) VCF-style: chr10-17171244-C-T.
Other names: short protein forms R43Q.
Identifiers: ClinVar variation 2053451 (VCV002053451.5), dbSNP rs149358798, ClinGen allele CA5425777.